The following is an entry in ClinVar:

NM_032043.3(BRIP1):c.491T>G (p.Leu164Ter)

Gene: BRIP1 (BRCA1 interacting DNA helicase 1; minus strand). Cytogenetic location: 17q23.2.
Variant type: single nucleotide variant.
Coding change: c.491T>G on transcript NM_032043.3 (MANE Select); coding-DNA position 491, T replaced by G.
Protein change: p.Leu164Ter; replaces leucine 164 with a stop codon.
Molecular consequence: nonsense.
Genome position (GRCh38, 1-based): chr17:61,849,145, A>C on the plus strand (T>G on the coding strand, the complement: BRIP1 is on the minus strand). VCF-style: chr17-61849145-A-C. GRCh37 (hg19) VCF-style: chr17-59926506-A-C.
Other names: short protein forms L164*.
Identifiers: ClinVar variation 2583269 (VCV002583269.3), dbSNP rs2545418887, ClinGen allele CA400484378.

ClinVar aggregate classification (germline): Pathogenic. Review status: criteria provided, multiple submitters, no conflicts (2 of 4 stars). 2 submissions from 2 submitters: Pathogenic (2). Last evaluated 2026-08-25.

Conditions:
Familial cancer of breast. Also called: BREAST CANCER, FAMILIAL; hereditary breast carcinoma; Hereditary breast cancer. Identifiers: Orphanet 227535, MedGen C0346153, MONDO:0016419, OMIM 114480. Disease mechanism: loss of function.
Hereditary cancer-predisposing syndrome. Also called: Hereditary neoplastic syndrome; Hereditary Cancer Syndrome; Neoplastic Syndromes, Hereditary; Tumor predisposition. Identifiers: Orphanet 140162, MedGen C0027672, MeSH D009386, MONDO:0015356.

Submissions (2):

Ambry Genetics
Classification: Pathogenic for Hereditary cancer-predisposing syndrome. Last evaluated: 2026-08-25. Review status: criteria provided, single submitter. Criteria: Ambry Variant Classification Scheme 2023. Collection method: clinical testing. Allele origin: germline.
Comment: The p.L164* pathogenic mutation (also known as c.491T>G), located in coding exon 4 of the BRIP1 gene, results from a T to G substitution at nucleotide position 491. This changes the amino acid from a leucine to a stop codon within coding exon 4. This variant is considered to be rare based on population cohorts in the Genome Aggregation Database (gnomAD). This alteration is expected to result in loss of function by premature protein truncation or nonsense-mediated mRNA decay. As such, this alteration is interpreted as a disease-causing mutation.

Myriad Genetics, Inc.
Classification: Pathogenic for Familial cancer of breast. Last evaluated: 2023-05-31. Review status: criteria provided, single submitter. Criteria: Myriad Autosomal Dominant, Autosomal Recessive and X-Linked Classification Criteria (2023). Collection method: clinical testing. Allele origin: unknown.
Comment: This variant is considered pathogenic. This variant creates a termination codon and is predicted to result in premature protein truncation.